The following is an entry in ClinVar:

ClinVar aggregate classification (germline): Uncertain significance. Review status: criteria provided, multiple submitters, no conflicts (2 of 4 stars). 5 submissions from 5 submitters: Uncertain significance (5). Last evaluated 2025-09-02.

Conditions:
Aortic aneurysm, familial thoracic 4 (AAT4). Also called: AORTIC ANEURYSM/AORTIC DISSECTION AND PATENT DUCTUS ARTERIOSUS. Identifiers: MedGen C1851504, MONDO:0007568, OMIM 132900.
Familial thoracic aortic aneurysm and aortic dissection (TAAD). Also called: Thoracic aortic aneurysms and dissections. Identifiers: Orphanet 91387, MedGen C4707243, MONDO:0019625.

Allele frequency attached by ClinVar (database versions not stated): gnomAD exomes below 0.00001 and 0.00002; gnomAD 0.00002; TOPMed 0.00005.
gnomAD v4.1: 14 of 1,614,078 alleles (0.00087%); highest among the groups gnomAD compares: Admixed American, 0.0033%; no homozygotes.

Submissions (5):

Labcorp Genetics (formerly Invitae), Labcorp
Classification: Uncertain significance for Aortic aneurysm, familial thoracic 4. Last evaluated: 2025-09-02. Review status: criteria provided, single submitter. Criteria: Invitae Variant Classification Sherloc (09022015). Collection method: clinical testing. Allele origin: germline.
Comment: This sequence change replaces alanine, which is neutral and non-polar, with aspartic acid, which is acidic and polar, at codon 1116 of the MYH11 protein (p.Ala1116Asp). This variant is present in population databases (no rsID available, gnomAD 0.006%). This variant has not been reported in the literature in individuals affected with MYH11-related conditions. ClinVar contains an entry for this variant (Variation ID: 569412). Invitae Evidence Modeling of protein sequence and biophysical properties (such as structural, functional, and spatial information, amino acid conservation, physicochemical variation, residue mobility, and thermodynamic stability) indicates that this missense variant is not expected to disrupt MYH11 protein function with a negative predictive value of 95%. In summary, the available evidence is currently insufficient to determine the role of this variant in disease. Therefore, it has been classified as a Variant of Uncertain Significance.

All of Us Research Program, National Institutes of Health
Classification: Uncertain significance for Familial thoracic aortic aneurysm and aortic dissection. Last evaluated: 2024-08-13. Review status: criteria provided, single submitter. Criteria: ACMG Guidelines, 2015. Collection method: clinical testing. Allele origin: germline. Inheritance: Autosomal dominant inheritance. Observed: 10 variant alleles, 10 heterozygotes.
Comment: This missense variant replaces alanine with aspartic acid at codon 1116 of the MYH11 protein. Computational prediction tool suggests that this variant may have deleterious impact on protein structure and function (internally defined REVEL score threshold >=0.7, PMID: 27666373). Splice site prediction tools suggest that this variant may not impact RNA splicing. To our knowledge, functional studies have not been performed for this variant. This variant has not been reported in individuals affected with cardiovascular disorders in the literature. This variant has been identified in 6/282876 chromosomes in the general population by the Genome Aggregation Database (gnomAD). The available evidence is insufficient to determine the role of this variant in disease conclusively. Therefore, this variant is classified as a Variant of Uncertain Significance.

This study involves interpretation of variants in research participants for the purpose of population health screening. Participant phenotype was not available at the time of variant classification. Additional details can be found in publication PMID: 35346344, PMCID: PMC8962531

Color Diagnostics, LLC DBA Color Health
Classification: Uncertain significance for Familial thoracic aortic aneurysm and aortic dissection. Last evaluated: 2024-02-06. Review status: criteria provided, single submitter. Criteria: ACMG Guidelines, 2015. Collection method: clinical testing. Allele origin: germline.
Comment: This missense variant replaces alanine with aspartic acid at codon 1116 of the MYH11 protein. Computational prediction tools indicate that this variant has a deleterious impact on protein structure and function. To our knowledge, functional studies have not been reported for this variant. This variant has not been reported in individuals affected with MYH11-related disorders in the literature. This variant has been identified in 6/282876 chromosomes in the general population by the Genome Aggregation Database (gnomAD). The available evidence is insufficient to determine the role of this variant in disease conclusively. Therefore, this variant is classified as a Variant of Uncertain Significance.

Ambry Genetics
Classification: Uncertain significance for Familial thoracic aortic aneurysm and aortic dissection. Last evaluated: 2023-07-11. Review status: criteria provided, single submitter. Criteria: Ambry Variant Classification Scheme 2023. Collection method: clinical testing. Allele origin: germline.
Comment: The p.A1109D variant (also known as c.3326C>A), located in coding exon 25 of the MYH11 gene, results from a C to A substitution at nucleotide position 3326. The alanine at codon 1109 is replaced by aspartic acid, an amino acid with dissimilar properties. This amino acid position is highly conserved in available vertebrate species. In addition, this alteration is predicted to be deleterious by in silico analysis. Since supporting evidence is limited at this time, the clinical significance of this alteration remains unclear.

GeneDx
Classification: Uncertain significance. Last evaluated: 2022-05-10. Review status: criteria provided, single submitter. Criteria: GeneDx Variant Classification Process June 2021. Collection method: clinical testing. Allele origin: germline. Affected: yes.
Comment: In silico analysis supports that this missense variant has a deleterious effect on protein structure/function; Has not been previously published as pathogenic or benign to our knowledge

NM_002474.3(MYH11):c.3326C>A (p.Ala1109Asp)

Gene: MYH11 (myosin heavy chain 11; minus strand). Cytogenetic location: 16p13.11.
Variant type: single nucleotide variant.
Coding change: c.3326C>A on transcript NM_002474.3 (MANE Select); coding-DNA position 3326, C replaced by A.
Protein change: p.Ala1109Asp; replaces alanine 1109 with aspartic acid.
Molecular consequence: missense variant.
Genome position (GRCh38, 1-based): chr16:15,735,546, G>T on the plus strand (C>A on the coding strand, the complement: MYH11 is on the minus strand). VCF-style: chr16-15735546-G-T. GRCh37 (hg19) VCF-style: chr16-15829403-G-T.
Other names: c.3347C>A, p.Ala1116Asp (NM_001040113.2, NM_001040114.2); c.3326C>A, p.Ala1109Asp (NM_022844.3); short protein forms A1116D, A1109D.
Identifiers: ClinVar variation 569412 (VCV000569412.18), dbSNP rs1046453819, ClinGen allele CA278621314.
Genomic context (GRCh38, chr16:15,735,546, plus strand): 5'-GAGTCCAGGTCCTCCTGGAGGTCTGAGATGTGGCCCTCCAGCTCCCGGATCTTCTTCAGG[G>T]CATTGTTCTTCTGAGCGATTTCATCGTCAAGCCTTCCAGGGAGAGACCCAGCAGAATGAA-3'
Protein context (NP_002465.1, residues 1099-1119): LDDEIAQKNN[Ala1109Asp]LKKIRELEGH